The following is an entry in ClinVar:

ClinVar aggregate classification (germline): Benign. Review status: criteria provided, multiple submitters, no conflicts (2 of 4 stars). 2 submissions from 2 submitters: Benign (2). Last evaluated 2021-05-04.

Allele frequency attached by ClinVar (database versions not stated): gnomAD exomes 0.28143 and 0.32700; ExAC 0.32085; ESP Exome Variant Server 0.34855; 1000 Genomes Project 0.35603; gnomAD 0.35646 and 0.36199; 1000 Genomes Project 30x 0.36508; TOPMed 0.38109.
gnomAD v4.1: 466,831 of 1,613,834 alleles (29%); highest among the groups gnomAD compares: African/African-American, 50%; 71,694 homozygotes.

Submissions (2):

GeneDx
Classification: Benign. Last evaluated: 2021-05-04. Review status: criteria provided, single submitter. Criteria: GeneDx Variant Classification Process June 2021. Collection method: clinical testing. Allele origin: germline. Affected: yes.
Comment: This variant is associated with the following publications: (PMID: 31476289)

Breakthrough Genomics
Classification: Benign. Review status: criteria provided, single submitter. Criteria: ACMG Guidelines, 2015. Collection method: not provided. Allele origin: germline. Inheritance: Autosomal dominant inheritance. Affected: yes.

NM_130797.4(DPP6):c.2561T>C (p.Leu854Pro)

Gene: DPP6 (dipeptidyl peptidase like 6; plus strand). Cytogenetic location: 7q36.2.
Variant type: single nucleotide variant.
Coding change: c.2561T>C on transcript NM_130797.4 (MANE Select); coding-DNA position 2561, T replaced by C.
Protein change: p.Leu854Pro; replaces leucine 854 with proline.
Molecular consequence: missense variant. On other transcripts: non-coding transcript variant (2).
Genome position (GRCh38, 1-based): chr7:154,892,443, T>C. VCF-style: chr7-154892443-T-C. GRCh37 (hg19) VCF-style: chr7-154684153-T-C.
Other names: c.2369T>C, p.Leu790Pro (NM_001039350.3); c.2240T>C, p.Leu747Pro (NM_001290252.2); c.2378T>C, p.Leu793Pro (NM_001364497.2, NM_001364498.2, NM_001364499.2 and 1 more transcripts); c.2375T>C, p.Leu792Pro (NM_001936.5); short protein forms L747P, L790P, L792P, L793P, L854P.
Identifiers: ClinVar variation 1235501 (VCV001235501.4), dbSNP rs3734960, ClinGen allele CA4584000.
Genomic context (GRCh38, chr7:154,892,443, plus strand): 5'-ATCTGTACCGGTCCATCATCAACTTCTTCGTGGAATGCTTCAGGATCCAGGACAAACTGC[T>C]GACAGTCACAGCGAAAGAGGACGAGGAGGAGGACTAAGCTCAGGTCGCTCTAAGCACAAA-3'
Protein context (NP_570629.2, residues 844-864): VECFRIQDKL[Leu854Pro]TVTAKEDEEE